The following is an entry in ClinVar:

ClinVar aggregate classification (germline): Uncertain significance (1 of 4 stars; one submission).

Submission:

Dasa
Classification: Uncertain significance. Last evaluated: 2026-03-20. Review status: criteria provided, single submitter. Criteria: DASA Assertion Criteria. Collection method: clinical testing. Allele origin: germline.
Comment: NM_000152.5(GAA):c.-524C>G is an intronic variant. This variant has been observed in affected individuals with GAA-related disorders. Also, this variant is rare in population databases. The currently available literature and clinical evidence are not sufficient to establish a definitive association between this variant and the reported condition. Therefore, this variant is classified as a variant of uncertain significance.

NM_000152.5(GAA):c.-524C>G

Genes: GAA (alpha glucosidase; plus strand), LOC130061897 (ATAC-STARR-seq lymphoblastoid silent region 9099; plus strand). Cytogenetic location: 17q25.3.
Variant type: single nucleotide variant.
Coding change: c.-524C>G on transcript NM_000152.5 (MANE Select); 524 bases upstream of the start codon, C replaced by G.
Genome position (GRCh38, 1-based): chr17:80,101,399, C>G. VCF-style: chr17-80101399-C-G. GRCh37 (hg19) VCF-style: chr17-78075198-C-G.
Identifiers: ClinVar variation 4885988 (VCV004885988.2).